The following is an entry in ClinVar:

NM_001352027.3(PHF21A):c.154-3T>G

Gene: PHF21A (PHD finger protein 21A; minus strand). Cytogenetic location: 11p11.2.
Variant type: single nucleotide variant.
Coding change: c.154-3T>G on transcript NM_001352027.3 (MANE Select); 3 bases into the intron before coding-DNA position 154, T replaced by G.
Molecular consequence: intron variant.
Genome position (GRCh38, 1-based): chr11:45,979,969, A>C on the plus strand (T>G on the coding strand, the complement: PHF21A is on the minus strand). VCF-style: chr11-45979969-A-C. GRCh37 (hg19) VCF-style: chr11-46001520-A-C.
Other names: c.154-3T>G (NM_001352030.3, NM_001441171.1, NM_001101802.3 and 9 more transcripts); c.175-3T>G (NM_001441167.1, NM_001441169.1, NM_001441168.1).
Identifiers: ClinVar variation 4082962 (VCV004082962.1).

ClinVar aggregate classification (germline): Uncertain significance (1 of 4 stars; one submission).

Submission:

GeneDx
Classification: Uncertain significance. Last evaluated: 2025-03-03. Review status: criteria provided, single submitter. Criteria: GeneDx Variant Classification Process June 2021. Collection method: clinical testing. Allele origin: germline. Affected: yes.
Comment: Not observed at significant frequency in large population cohorts (gnomAD); In silico analysis supports a deleterious effect on splicing; Has not been previously published as pathogenic or benign to our knowledge